The following is an entry in ClinVar:

ClinVar aggregate classification (germline): Likely benign. Review status: criteria provided, multiple submitters, no conflicts (2 of 4 stars). 3 submissions from 3 submitters: Likely benign (3). Last evaluated 2024-05-23.

Conditions:
Cardiomyopathy (CMYO). Also called: Cardiomyopathies. Identifiers: Orphanet 167848, MedGen C0878544, MONDO:0004994, HP:0001638. Inheritance: Various modes of inheritance.
Hypertrophic cardiomyopathy. Also called: HYPERTROPHIC MYOCARDIOPATHY. Identifiers: Orphanet 217569, MedGen C0007194, MeSH D002312, MONDO:0005045, HP:0001639.

Allele frequency attached by ClinVar (database versions not stated): gnomAD exomes below 0.00001; TOPMed below 0.00001.
gnomAD v4.1: 4 of 1,614,184 alleles (0.00025%); no homozygotes.

Submissions (3):

Labcorp Genetics (formerly Invitae), Labcorp
Classification: Likely benign for Hypertrophic cardiomyopathy. Last evaluated: 2024-05-23. Review status: criteria provided, single submitter. Criteria: Invitae Variant Classification Sherloc (09022015). Collection method: clinical testing. Allele origin: germline.

All of Us Research Program, National Institutes of Health
Classification: Likely benign for Cardiomyopathy. Last evaluated: 2023-10-02. Review status: criteria provided, single submitter. Criteria: ACMG Guidelines, 2015. Collection method: clinical testing. Allele origin: germline. Inheritance: Autosomal dominant inheritance. Observed: 3 variant alleles, 3 heterozygotes.
Comment: This study involves interpretation of variants in research participants for the purpose of population health screening. Participant phenotype was not available at the time of variant classification. Additional details can be found in publication PMID: 35346344, PMCID: PMC8962531

Color Diagnostics, LLC DBA Color Health
Classification: Likely benign for Cardiomyopathy. Last evaluated: 2022-08-29. Review status: criteria provided, single submitter. Criteria: ACMG Guidelines, 2015. Collection method: clinical testing. Allele origin: germline.

NM_000257.4(MYH7):c.1258-9A>T

Gene: MYH7 (myosin heavy chain 7; minus strand). Cytogenetic location: 14q11.2.
Variant type: single nucleotide variant.
Coding change: c.1258-9A>T on transcript NM_000257.4 (MANE Select); 9 bases into the intron before coding-DNA position 1258, A replaced by T.
Molecular consequence: intron variant.
Genome position (GRCh38, 1-based): chr14:23,429,113, T>A on the plus strand (A>T on the coding strand, the complement: MYH7 is on the minus strand). VCF-style: chr14-23429113-T-A. GRCh37 (hg19) VCF-style: chr14-23898322-T-A.
Identifiers: ClinVar variation 1619147 (VCV001619147.11), dbSNP rs1892817047, ClinGen allele CA2123445611.